The following is an entry in ClinVar:

ClinVar aggregate classification (germline): Uncertain significance. Review status: criteria provided, multiple submitters, no conflicts (2 of 4 stars). 2 submissions from 2 submitters: Uncertain significance (2). Last evaluated 2024-06-07.

Conditions:
Inborn genetic diseases. Identifiers: MedGen C0950123, MeSH D030342.

gnomAD v4.1: 16 of 1,613,204 alleles (0.00099%); highest among the groups gnomAD compares: Admixed American, 0.0017%; no homozygotes.

Submissions (2):

Ambry Genetics
Classification: Uncertain significance for Inborn genetic diseases. Last evaluated: 2024-06-07. Review status: criteria provided, single submitter. Criteria: Ambry Variant Classification Scheme 2023. Collection method: clinical testing. Allele origin: germline.

GeneDx
Classification: Uncertain significance. Last evaluated: 2024-05-20. Review status: criteria provided, single submitter. Criteria: GeneDx Variant Classification Process June 2021. Collection method: clinical testing. Allele origin: germline. Affected: yes.
Comment: Not observed at significant frequency in large population cohorts (gnomAD); In silico analysis indicates that this missense variant does not alter protein structure/function; Has not been previously published as pathogenic or benign to our knowledge

NM_005559.4(LAMA1):c.7624G>A (p.Val2542Met)

Gene: LAMA1 (laminin subunit alpha 1; minus strand). Cytogenetic location: 18p11.31.
Variant type: single nucleotide variant.
Coding change: c.7624G>A on transcript NM_005559.4 (MANE Select); coding-DNA position 7624, G replaced by A.
Protein change: p.Val2542Met; replaces valine 2542 with methionine.
Molecular consequence: missense variant.
Genome position (GRCh38, 1-based): chr18:6,961,588, C>T on the plus strand (G>A on the coding strand, the complement: LAMA1 is on the minus strand). VCF-style: chr18-6961588-C-T. GRCh37 (hg19) VCF-style: chr18-6961587-C-T.
Other names: short protein forms V2542M.
Identifiers: ClinVar variation 3289853 (VCV003289853.2).